The following is an entry in ClinVar:

ClinVar aggregate classification (germline): Uncertain significance. Review status: criteria provided, multiple submitters, no conflicts (2 of 4 stars). 6 submissions from 6 submitters: Uncertain significance (6). Last evaluated 2026-02-19.

Conditions:
Aortic aneurysm, familial thoracic 4 (AAT4). Also called: AORTIC ANEURYSM/AORTIC DISSECTION AND PATENT DUCTUS ARTERIOSUS. Identifiers: MedGen C1851504, MONDO:0007568, OMIM 132900.
Visceral myopathy 2. Identifiers: MedGen C5543466, MONDO:0859157, OMIM 619350.
Megacystis-microcolon-intestinal hypoperistalsis syndrome 2. Identifiers: MedGen C5543476, MONDO:0025708, OMIM 619351.
Familial thoracic aortic aneurysm and aortic dissection (TAAD). Also called: Thoracic aortic aneurysms and dissections. Identifiers: Orphanet 91387, MedGen C4707243, MONDO:0019625.

Allele frequency attached by ClinVar (database versions not stated): ExAC 0.00002; gnomAD exomes 0.00001 and 0.00002; TOPMed 0.00003.
gnomAD v4.1: 10 of 1,614,094 alleles (0.00062%); highest among the groups gnomAD compares: Admixed American, 0.0067%; no homozygotes.

Submissions (6):

Dasa
Classification: Uncertain significance. Last evaluated: 2026-02-19. Review status: criteria provided, single submitter. Criteria: DASA Assertion Criteria. Collection method: clinical testing. Allele origin: germline.
Comment: NM_002474.3(MYH11):c.4834C>T (p.Arg1612Cys) is a missense variant that results in the substitution of arginine with cysteine. This variant is rare in population databases. Computational prediction algorithms are consistent with a deleterious effect. The currently available literature and clinical evidence are not sufficient to establish a definitive association between this variant and the reported condition. Therefore, this variant is classified as a variant of uncertain significance.

Labcorp Genetics (formerly Invitae), Labcorp
Classification: Uncertain significance for Aortic aneurysm, familial thoracic 4. Last evaluated: 2025-12-14. Review status: criteria provided, single submitter. Criteria: Invitae Variant Classification Sherloc (09022015). Collection method: clinical testing. Allele origin: germline.
Comment: This sequence change replaces arginine, which is basic and polar, with cysteine, which is neutral and slightly polar, at codon 1619 of the MYH11 protein (p.Arg1619Cys). This variant is present in population databases (rs748356212, gnomAD 0.01%). This variant has not been reported in the literature in individuals affected with MYH11-related conditions. ClinVar contains an entry for this variant (Variation ID: 423952). Invitae Evidence Modeling of protein sequence and biophysical properties (such as structural, functional, and spatial information, amino acid conservation, physicochemical variation, residue mobility, and thermodynamic stability) has been performed for this missense variant. However, the output from this modeling did not meet the statistical confidence thresholds required to predict the impact of this variant on MYH11 protein function. In summary, the available evidence is currently insufficient to determine the role of this variant in disease. Therefore, it has been classified as a Variant of Uncertain Significance.

Color Diagnostics, LLC DBA Color Health
Classification: Uncertain significance for Familial thoracic aortic aneurysm and aortic dissection. Last evaluated: 2024-03-06. Review status: criteria provided, single submitter. Criteria: ACMG Guidelines, 2015. Collection method: clinical testing. Allele origin: germline.
Comment: This missense variant replaces arginine with cysteine at codon 1619 of the MYH11 protein. Computational prediction suggests that this variant may have deleterious impact on protein structure and function (internally defined REVEL score threshold >= 0.7, PMID: 27666373). To our knowledge, functional studies have not been reported for this variant. This variant has not been reported in individuals affected with MYH11-related disorders in the literature. This variant has been identified in 5/251382 chromosomes in the general population by the Genome Aggregation Database (gnomAD). The available evidence is insufficient to determine the role of this variant in disease conclusively. Therefore, this variant is classified as a Variant of Uncertain Significance.

Ambry Genetics
Classification: Uncertain significance for Familial thoracic aortic aneurysm and aortic dissection. Last evaluated: 2022-04-21. Review status: criteria provided, single submitter. Criteria: Ambry Variant Classification Scheme 2023. Collection method: clinical testing. Allele origin: germline.
Comment: The p.R1612C variant (also known as c.4834C>T), located in coding exon 33 of the MYH11 gene, results from a C to T substitution at nucleotide position 4834. The arginine at codon 1612 is replaced by cysteine, an amino acid with highly dissimilar properties. This amino acid position is conserved. In addition, this alteration is predicted to be deleterious by in silico analysis. Since supporting evidence is limited at this time, the clinical significance of this alteration remains unclear.

Fulgent Genetics
Classification: Uncertain significance for Aortic aneurysm, familial thoracic 4; Visceral myopathy 2; Megacystis-microcolon-intestinal hypoperistalsis syndrome 2. Last evaluated: 2021-08-26. Review status: criteria provided, single submitter. Criteria: ACMG Guidelines, 2015. Collection method: clinical testing. Allele origin: unknown.

GeneDx
Classification: Uncertain significance. Last evaluated: 2017-02-24. Review status: criteria provided, single submitter. Criteria: GeneDx Variant Classification (06012015). Collection method: clinical testing. Allele origin: germline. Affected: yes.
Comment: The R1612C variant in the MYH11 gene has not been reported previously as a pathogenic variant, nor as a benign variant, to our knowledge. The R1612C variant is not observed at a significant frequency in large population cohorts (Lek et al., 2016; 1000 Genomes Consortium et al., 2015; Exome Variant Server). The R1612C variant is a non-conservative amino acid substitution, which is likely to impact secondary protein structure as these residues differ in polarity, charge, size and/or other properties. This substitution occurs at a position that is conserved across species. In silico analysis predicts this variant is probably damaging to the protein structure/function. We interpret R1612C as a variant of uncertain significance.

NM_002474.3(MYH11):c.4834C>T (p.Arg1612Cys)

Genes: MYH11 (myosin heavy chain 11; minus strand), NDE1 (nudE neurodevelopment protein 1; plus strand). Cytogenetic location: 16p13.11.
Variant type: single nucleotide variant.
Coding change: c.4834C>T on transcript NM_002474.3 (MANE Select); coding-DNA position 4834, C replaced by T.
Protein change: p.Arg1612Cys; replaces arginine 1612 with cysteine.
Molecular consequence: missense variant. On other transcripts: intron variant (2).
Genome position (GRCh38, 1-based): chr16:15,720,270, G>A on the plus strand (C>T on the coding strand, the complement: MYH11 is on the minus strand). VCF-style: chr16-15720270-G-A. GRCh37 (hg19) VCF-style: chr16-15814127-G-A.
Other names: c.4834C>T, p.Arg1612Cys (NM_022844.3); c.948-3921G>A (NM_001143979.2, NM_017668.3); c.4855C>T, p.Arg1619Cys (NM_001040113.2, NM_001040114.2); short protein forms R1612C, R1619C.
Identifiers: ClinVar variation 423952 (VCV000423952.14), dbSNP rs748356212, ClinGen allele CA7921527.